The following is an entry in ClinVar:

ClinVar aggregate classification (germline): Uncertain significance. Review status: criteria provided, multiple submitters, no conflicts (2 of 4 stars). 4 submissions from 4 submitters: Uncertain significance (4). Last evaluated 2026-01-05.

Conditions:
APC-related disorder. Also called: APC-related condition.
Hereditary cancer-predisposing syndrome. Also called: Neoplastic Syndromes, Hereditary; Tumor predisposition; Hereditary Cancer Syndrome; Hereditary neoplastic syndrome. Identifiers: Orphanet 140162, MedGen C0027672, MeSH D009386, MONDO:0015356.
Familial adenomatous polyposis 1 (FAP1). Also called: FAMILIAL ADENOMATOUS POLYPOSIS 1, ATTENUATED; POLYPOSIS, ADENOMATOUS INTESTINAL. Identifiers: MedGen C2713442, MONDO:0021056, OMIM 175100. Disease mechanism: loss of function.

Allele frequency attached by ClinVar (database versions not stated): gnomAD exomes below 0.00001; TOPMed 0.00001.
gnomAD v4.1: 3 of 1,612,006 alleles (0.00019%); highest among the groups gnomAD compares: Non-Finnish European, 0.00025%; no homozygotes.

Submissions (4):

Women's Health and Genetics/Laboratory Corporation of America, LabCorp
Classification: Uncertain significance. Last evaluated: 2026-01-05. Review status: criteria provided, single submitter. Criteria: LabCorp Variant Classification Summary - May 2015. Collection method: clinical testing. Allele origin: germline.
Comment: Variant summary: APC c.5402C>T (p.Ala1801Val) results in a non-conservative amino acid change in the encoded protein sequence. Algorithms developed to predict the effect of missense changes on protein structure and function are either unavailable or do not agree on the potential impact of this missense change. The variant was absent in 249472 control chromosomes (gnomAD). The available data on variant occurrences in the general population are insufficient to allow any conclusion about variant significance. c.5402C>T has been observed in an individual(s) affected with Colorectal Cancer without evidence of causality (Biscaglia_2021). This report does not provide unequivocal conclusions about association of the variant with Familial Adenomatous Polyposis. To our knowledge, no experimental evidence demonstrating an impact on protein function has been reported. The following publication has been ascertained in the context of this evaluation (PMID: 34347074). ClinVar contains an entry for this variant (Variation ID: 232899). Based on the evidence outlined above, the variant was classified as uncertain significance.

PreventionGenetics, part of Exact Sciences
Classification: Uncertain significance for APC-related condition. Last evaluated: 2025-08-05. Review status: criteria provided, single submitter. Criteria: ACMG Guidelines, 2015. Collection method: clinical testing. Allele origin: germline.
Comment: The APC c.5402C>T variant is predicted to result in the amino acid substitution p.Ala1801Val. This variant has been reported in an individual with inflammatory bowel disease associated colorectal cancer (Biscaglia et al. 2021. PubMed ID: 34347074). This variant has not been reported in a large population database (gnomAD), indicating this variant is rare. This variant is interpreted as uncertain in ClinVar (Variation ID: 232899). At this time, the clinical significance of this variant is uncertain due to the absence of conclusive functional and genetic evidence.

Labcorp Genetics (formerly Invitae), Labcorp
Classification: Uncertain significance for Familial adenomatous polyposis 1. Last evaluated: 2024-08-01. Review status: criteria provided, single submitter. Criteria: Invitae Variant Classification Sherloc (09022015). Collection method: clinical testing. Allele origin: germline.
Comment: This sequence change replaces alanine, which is neutral and non-polar, with valine, which is neutral and non-polar, at codon 1801 of the APC protein (p.Ala1801Val). This variant is not present in population databases (gnomAD no frequency). This missense change has been observed in individual(s) with colorectal cancer (PMID: 34347074). ClinVar contains an entry for this variant (Variation ID: 232899). Advanced modeling of protein sequence and biophysical properties (such as structural, functional, and spatial information, amino acid conservation, physicochemical variation, residue mobility, and thermodynamic stability) performed at Invitae indicates that this missense variant is not expected to disrupt APC protein function with a negative predictive value of 95%. In summary, the available evidence is currently insufficient to determine the role of this variant in disease. Therefore, it has been classified as a Variant of Uncertain Significance.

Ambry Genetics
Classification: Uncertain significance for Hereditary cancer-predisposing syndrome. Last evaluated: 2021-03-11. Review status: criteria provided, single submitter. Criteria: Ambry Variant Classification Scheme 2023. Collection method: clinical testing. Allele origin: germline.
Comment: The p.A1801V variant (also known as c.5402C>T), located in coding exon 15 of the APC gene, results from a C to T substitution at nucleotide position 5402. The alanine at codon 1801 is replaced by valine, an amino acid with similar properties. This amino acid position is not well conserved in available vertebrate species. In addition, in silico predictors for this gene do not accurately predict pathogenicity. Since supporting evidence is limited at this time, the clinical significance of this alteration remains unclear.

Literature cited by the submitters: PubMed 34347074 (cited by Women's Health and Genetics/Laboratory Corporation of America, LabCorp and Labcorp Genetics (formerly Invitae), Labcorp).

NM_000038.6(APC):c.5402C>T (p.Ala1801Val)

Gene: APC (APC regulator of Wnt signaling pathway; plus strand). Cytogenetic location: 5q22.2.
Variant type: single nucleotide variant.
Coding change: c.5402C>T on transcript NM_000038.6 (MANE Select); coding-DNA position 5402, C replaced by T.
Protein change: p.Ala1801Val; replaces alanine 1801 with valine.
Molecular consequence: missense variant.
Genome position (GRCh38, 1-based): chr5:112,840,996, C>T. VCF-style: chr5-112840996-C-T. GRCh37 (hg19) VCF-style: chr5-112176693-C-T.
Other names: c.5402C>T, p.Ala1801Val (NM_001127510.3, NM_001354895.2); c.5348C>T, p.Ala1783Val (NM_001127511.3); c.5456C>T, p.Ala1819Val (NM_001354896.2); c.5432C>T, p.Ala1811Val (NM_001354897.2); c.5327C>T, p.Ala1776Val (NM_001354898.2); c.5318C>T, p.Ala1773Val (NM_001354899.2); c.5279C>T, p.Ala1760Val (NM_001354900.2); c.5225C>T, p.Ala1742Val (NM_001354901.2); and 5 more; short protein forms A1783V, A1801V, A1700V, A1773V, A1819V, A1641V, A1675V, A1742V.
Identifiers: ClinVar variation 232899 (VCV000232899.15), dbSNP rs876660059, ClinGen allele CA10578403.